The following is an entry in ClinVar:

ClinVar aggregate classification (germline): Benign/Likely benign. Review status: criteria provided, multiple submitters, no conflicts (2 of 4 stars). 7 submissions from 7 submitters: Benign (1); Likely benign (6). Last evaluated 2025-05-18.

Conditions:
Lynch syndrome. Identifiers: Orphanet 144, MedGen C4552100, MONDO:0005835. Disease mechanism: loss of function.
Hereditary cancer-predisposing syndrome. Also called: Hereditary Cancer Syndrome; Neoplastic Syndromes, Hereditary; Tumor predisposition; Hereditary neoplastic syndrome. Identifiers: Orphanet 140162, MedGen C0027672, MeSH D009386, MONDO:0015356.
Hereditary nonpolyposis colorectal neoplasms. Identifiers: MedGen C0009405, MeSH D003123.
Lynch syndrome 4 (LYNCH4). Also called: Colorectal cancer, hereditary nonpolyposis, type 4; Hereditary non-polyposis colorectal cancer, type 4. Identifiers: Orphanet 144, MedGen C1838333, MONDO:0013699, OMIM 614337. Disease mechanism: loss of function.

Allele frequency attached by ClinVar (database versions not stated): gnomAD 0.00001; TOPMed 0.00001.
gnomAD v4.1: 1 of 1,613,158 alleles (0.000062%); highest among the groups gnomAD compares: African/African-American, 0.0013%; no homozygotes.

Submissions (7):

Labcorp Genetics (formerly Invitae), Labcorp
Classification: Likely benign for Hereditary nonpolyposis colorectal neoplasms. Last evaluated: 2025-05-18. Review status: criteria provided, single submitter. Criteria: Invitae Variant Classification Sherloc (09022015). Collection method: clinical testing. Allele origin: germline.

Myriad Genetics, Inc.
Classification: Benign for Lynch syndrome 4. Last evaluated: 2025-01-29. Review status: criteria provided, single submitter. Criteria: Myriad Autosomal Dominant, Autosomal Recessive and X-Linked Classification Criteria (2023). Collection method: clinical testing. Allele origin: unknown.
Comment: This variant is considered benign. This variant is a silent/synonymous amino acid change and it is not expected to impact splicing.

All of Us Research Program, National Institutes of Health
Classification: Likely benign for Lynch syndrome. Last evaluated: 2023-10-23. Review status: criteria provided, single submitter. Criteria: ACMG Guidelines, 2015. Collection method: clinical testing. Allele origin: germline. Inheritance: Autosomal dominant inheritance. Observed: 2 variant alleles, 2 heterozygotes.
Comment: This study involves interpretation of variants in research participants for the purpose of population health screening. Participant phenotype was not available at the time of variant classification. Additional details can be found in publication PMID: 35346344, PMCID: PMC8962531

Women's Health and Genetics/Laboratory Corporation of America, LabCorp
Classification: Likely benign. Last evaluated: 2019-08-29. Review status: criteria provided, single submitter. Criteria: LabCorp Variant Classification Summary - May 2015. Collection method: clinical testing. Allele origin: germline.

GeneDx
Classification: Likely benign. Last evaluated: 2019-04-25. Review status: criteria provided, single submitter. Criteria: GeneDx Variant Classification Process June 2021. Collection method: clinical testing. Allele origin: germline. Affected: yes.

Ambry Genetics
Classification: Likely benign for Hereditary cancer-predisposing syndrome. Last evaluated: 2016-08-09. Review status: criteria provided, single submitter. Criteria: Ambry Variant Classification Scheme 2023. Collection method: clinical testing. Allele origin: germline.

Color Diagnostics, LLC DBA Color Health
Classification: Likely benign for Hereditary cancer-predisposing syndrome. Last evaluated: 2016-04-27. Review status: criteria provided, single submitter. Criteria: ACMG Guidelines, 2015. Collection method: clinical testing. Allele origin: germline.

NM_000535.7(PMS2):c.1113T>C (p.Asn371=)

Gene: PMS2 (PMS1 homolog 2, mismatch repair system component; minus strand). Cytogenetic location: 7p22.1.
Variant type: single nucleotide variant.
Coding change: c.1113T>C on transcript NM_000535.7 (MANE Select); coding-DNA position 1113, T replaced by C.
Protein change: p.Asn371=; no amino-acid change (asparagine 371 retained).
Molecular consequence: synonymous variant. On other transcripts: non-coding transcript variant (1), intron variant (2).
Genome position (GRCh38, 1-based): chr7:5,989,831, A>G on the plus strand (T>C on the coding strand, the complement: PMS2 is on the minus strand). VCF-style: chr7-5989831-A-G. GRCh37 (hg19) VCF-style: chr7-6029462-A-G.
Other names: c.708T>C, p.Asn236= (NM_001322004.2, NM_001322005.2, NM_001322009.2 and 1 more transcripts); c.180T>C, p.Asn60= (NM_001322012.2, NM_001322011.2); c.540T>C, p.Asn180= (NM_001322013.2); c.795T>C, p.Asn265= (NM_001322007.2, NM_001322008.2); c.1113T>C, p.Asn371= (NM_001322014.2); c.804T>C, p.Asn268= (NM_001322015.2); c.583+2142T>C (NM_001322010.2); c.988+2142T>C (NM_001322006.2).
Identifiers: ClinVar variation 480319 (VCV000480319.21), dbSNP rs989130272, ClinGen allele CA153230577.